The following is an entry in ClinVar:

NM_000051.4(ATM):c.8359G>C (p.Ala2787Pro)

Genes: ATM (ATM serine/threonine kinase; plus strand), C11orf65 (chromosome 11 open reading frame 65; minus strand). Cytogenetic location: 11q22.3.
Variant type: single nucleotide variant.
Coding change: c.8359G>C on transcript NM_000051.4 (MANE Select); coding-DNA position 8359, G replaced by C.
Protein change: p.Ala2787Pro; replaces alanine 2787 with proline.
Molecular consequence: missense variant. On other transcripts: intron variant (2).
Genome position (GRCh38, 1-based): chr11:108,343,312, G>C. VCF-style: chr11-108343312-G-C. GRCh37 (hg19) VCF-style: chr11-108214039-G-C.
Other names: c.8359G>C, p.Ala2787Pro (NM_001351834.2); c.641-34241C>G (NM_001330368.2); c.695-8020C>G (NM_001351110.2); short protein forms A2787P.
Identifiers: ClinVar variation 1719204 (VCV001719204.9), dbSNP rs1591248677, ClinGen allele CA382516500.

ClinVar aggregate classification (germline): Uncertain significance. Review status: criteria provided, multiple submitters, no conflicts (2 of 4 stars). 2 submissions from 2 submitters: Uncertain significance (2). Last evaluated 2025-08-10.

Conditions:
Hereditary cancer-predisposing syndrome. Also called: Hereditary neoplastic syndrome; Neoplastic Syndromes, Hereditary; Tumor predisposition; Hereditary Cancer Syndrome. Identifiers: Orphanet 140162, MedGen C0027672, MeSH D009386, MONDO:0015356.
Ataxia-telangiectasia syndrome (AT). Also called: Ataxia telangiectasia (A-T); LOUIS-BAR SYNDROME; Cerebello-oculocutaneous telangiectasia; Immunodeficiency with ataxia telangiectasia; Ataxia-telangiectasia, complementation group D; AT, COMPLEMENTATION GROUP C. Identifiers: Orphanet 100, MedGen C0004135, MONDO:0008840, OMIM 208900.

Allele frequency attached by ClinVar (database versions not stated): TOPMed below 0.00001.

Submissions (2):

Ambry Genetics
Classification: Uncertain significance for Hereditary cancer-predisposing syndrome. Last evaluated: 2025-08-10. Review status: criteria provided, single submitter. Criteria: Ambry Variant Classification Scheme 2023. Collection method: clinical testing. Allele origin: germline.
Comment: The p.A2787P variant (also known as c.8359G>C), located in coding exon 56 of the ATM gene, results from a G to C substitution at nucleotide position 8359. The alanine at codon 2787 is replaced by proline, an amino acid with highly similar properties. This amino acid position is conserved. In addition, this alteration is predicted to be deleterious by in silico analysis. Since supporting evidence is limited at this time, the clinical significance of this alteration remains unclear.

Labcorp Genetics (formerly Invitae), Labcorp
Classification: Uncertain significance for Ataxia-telangiectasia syndrome. Last evaluated: 2023-03-25. Review status: criteria provided, single submitter. Criteria: Invitae Variant Classification Sherloc (09022015). Collection method: clinical testing. Allele origin: germline.
Comment: In summary, the available evidence is currently insufficient to determine the role of this variant in disease. Therefore, it has been classified as a Variant of Uncertain Significance. An algorithm developed to predict the effect of missense changes on protein structure and function (PolyPhen-2) suggests that this variant is likely to be disruptive. ClinVar contains an entry for this variant (Variation ID: 1719204). This variant has not been reported in the literature in individuals affected with ATM-related conditions. This variant is not present in population databases (gnomAD no frequency). This sequence change replaces alanine, which is neutral and non-polar, with proline, which is neutral and non-polar, at codon 2787 of the ATM protein (p.Ala2787Pro).